The following is an entry in ClinVar:

ClinVar aggregate classification (germline): Pathogenic (1 of 4 stars; one submission).

Conditions:
Fanconi anemia (FA). Also called: Fanconi's anemia. Identifiers: Orphanet 84, MedGen C0015625, MeSH D005199, MONDO:0019391.

Submission:

Labcorp Genetics (formerly Invitae), Labcorp
Classification: Pathogenic for Fanconi anemia. Last evaluated: 2025-06-08. Review status: criteria provided, single submitter. Criteria: Invitae Variant Classification Sherloc (09022015). Collection method: clinical testing. Allele origin: germline.
Comment: This sequence change creates a premature translational stop signal (p.Asn580Lysfs*2) in the FANCI gene. It is expected to result in an absent or disrupted protein product. Loss-of-function variants in FANCI are known to be pathogenic (PMID: 17452773, 17460694). This variant is not present in population databases (gnomAD no frequency). This variant has not been reported in the literature in individuals affected with FANCI-related conditions. For these reasons, this variant has been classified as Pathogenic.

Literature cited by the submitters: PubMed 17452773; PubMed 17460694.

NM_001113378.2(FANCI):c.1739dup (p.Asn580fs)

Gene: FANCI (FA complementation group I; plus strand). Cytogenetic location: 15q26.1.
Variant type: Duplication.
Coding change: c.1739dup on transcript NM_001113378.2 (MANE Select); coding-DNA position 1739, one base duplicated (A; older notation c.1739dupA).
Protein change: p.Asn580fs; shifts the reading frame from asparagine 580.
Molecular consequence: frameshift variant.
Genome position (GRCh38, 1-based): chr15:89,285,136, A duplicated; the last of 2 consecutive A bases (chr15:89,285,135-89,285,136); duplicating either gives the same sequence. VCF-style (leftmost placement, unchanged base first): chr15-89285134-C-CA. GRCh37 (hg19) VCF-style: chr15-89828365-C-CA.
Other names: c.1460dup, p.Asn487fs (NM_001376910.1); c.1739dup, p.Asn580fs (NM_001376911.1, NM_018193.3); short protein forms N487fs, N580fs.
Identifiers: ClinVar variation 4720953 (VCV004720953.1).